The following is an entry in ClinVar:

ClinVar aggregate classification (germline): Benign/Likely benign. Review status: criteria provided, multiple submitters, no conflicts (2 of 4 stars). 6 submissions from 6 submitters: Benign (1); Likely benign (5). Last evaluated 2026-09-01.

Conditions:
Juvenile polyposis syndrome (JPS). Identifiers: Orphanet 2929, MedGen C0345893, MONDO:0017380, OMIM 174900.
Hereditary cancer-predisposing syndrome. Also called: Hereditary neoplastic syndrome; Neoplastic Syndromes, Hereditary; Hereditary Cancer Syndrome; Tumor predisposition. Identifiers: Orphanet 140162, MedGen C0027672, MeSH D009386, MONDO:0015356.

Allele frequency attached by ClinVar (database versions not stated): gnomAD exomes below 0.00001; ExAC 0.00001; gnomAD 0.00001.
gnomAD v4.1: 6 of 1,614,046 alleles (0.00037%); highest among the groups gnomAD compares: Non-Finnish European, 0.00051%; no homozygotes.

Submissions (6):

CeGaT Center for Human Genetics Tuebingen
Classification: Likely benign. Last evaluated: 2026-09-01. Review status: criteria provided, single submitter. Criteria: CeGaT Center For Human Genetics Tuebingen Variant Classification Criteria Version 2. Collection method: clinical testing. Allele origin: germline. Affected: yes. Observed: 1 variant allele.
Comment: BMPR1A: BP4, BP7

Myriad Genetics, Inc.
Classification: Benign for Juvenile polyposis syndrome. Last evaluated: 2024-08-01. Review status: criteria provided, single submitter. Criteria: Myriad Autosomal Dominant, Autosomal Recessive and X-Linked Classification Criteria (2023). Collection method: clinical testing. Allele origin: unknown.
Comment: This variant is considered benign. This variant is a silent/synonymous amino acid change and it is not expected to impact splicing.

Labcorp Genetics (formerly Invitae), Labcorp
Classification: Likely benign for Juvenile polyposis syndrome. Last evaluated: 2024-01-18. Review status: criteria provided, single submitter. Criteria: Invitae Variant Classification Sherloc (09022015). Collection method: clinical testing. Allele origin: germline.

Ambry Genetics
Classification: Likely benign for Hereditary cancer-predisposing syndrome. Last evaluated: 2019-12-05. Review status: criteria provided, single submitter. Criteria: Ambry Variant Classification Scheme 2023. Collection method: clinical testing. Allele origin: germline.

Color Diagnostics, LLC DBA Color Health
Classification: Likely benign for Hereditary cancer-predisposing syndrome. Last evaluated: 2018-06-26. Review status: criteria provided, single submitter. Criteria: ACMG Guidelines, 2015. Collection method: clinical testing. Allele origin: germline.

GeneDx
Classification: Likely benign. Last evaluated: 2016-04-04. Review status: criteria provided, single submitter. Criteria: GeneDx Variant Classification (06012015). Collection method: clinical testing. Allele origin: germline. Affected: yes.
Comment: This variant is considered likely benign or benign based on one or more of the following criteria: it is a conservative change, it occurs at a poorly conserved position in the protein, it is predicted to be benign by multiple in silico algorithms, and/or has population frequency not consistent with disease.

NM_004329.3(BMPR1A):c.474T>C (p.Ile158=)

Gene: BMPR1A (bone morphogenetic protein receptor type 1A; plus strand). Cytogenetic location: 10q23.2.
Variant type: single nucleotide variant.
Coding change: c.474T>C on transcript NM_004329.3 (MANE Select); coding-DNA position 474, T replaced by C.
Protein change: p.Ile158=; no amino-acid change (isoleucine 158 retained).
Molecular consequence: synonymous variant.
Genome position (GRCh38, 1-based): chr10:86,900,070, T>C. VCF-style: chr10-86900070-T-C. GRCh37 (hg19) VCF-style: chr10-88659827-T-C.
Identifiers: ClinVar variation 385310 (VCV000385310.20), dbSNP rs759223499, ClinGen allele CA5585530.